The following is an entry in ClinVar:

NM_000053.4(ATP7B):c.363C>T (p.Phe121=)

Gene: ATP7B (ATPase copper transporting beta; minus strand). Cytogenetic location: 13q14.3.
Variant type: single nucleotide variant.
Coding change: c.363C>T on transcript NM_000053.4 (MANE Select); coding-DNA position 363, C replaced by T.
Protein change: p.Phe121=; no amino-acid change (phenylalanine 121 retained).
Molecular consequence: synonymous variant.
Genome position (GRCh38, 1-based): chr13:51,974,857, G>A on the plus strand (C>T on the coding strand, the complement: ATP7B is on the minus strand). VCF-style: chr13-51974857-G-A. GRCh37 (hg19) VCF-style: chr13-52548993-G-A.
Other names: c.363C>T, p.Phe121= (NM_001330578.2, NM_001330579.2, NM_001005918.3 and 1 more transcripts).
Identifiers: ClinVar variation 881932 (VCV000881932.18), dbSNP rs370199412, ClinGen allele CA6989576.

ClinVar aggregate classification (germline): Conflicting classifications of pathogenicity. Review status: criteria provided, conflicting classifications (1 of 4 stars). 5 submissions from 5 submitters: Uncertain significance (1); Likely benign (4). Last evaluated 2026-01-19.

Conditions:
Inborn genetic diseases. Identifiers: MedGen C0950123, MeSH D030342.
Wilson disease (WND). Also called: Wilson's disease. Identifiers: Orphanet 905, MedGen C0019202, MONDO:0010200, OMIM 277900. Disease mechanism: loss of function.

Allele frequency attached by ClinVar (database versions not stated): gnomAD 0.00001; TOPMed 0.00001; ExAC 0.00002; gnomAD exomes 0.00002; ESP Exome Variant Server 0.00008.
gnomAD v4.1: 32 of 1,614,044 alleles (0.002%); highest among the groups gnomAD compares: East Asian, 0.038%; no homozygotes.

Submissions (5):

Labcorp Genetics (formerly Invitae), Labcorp
Classification: Likely benign for Wilson disease. Last evaluated: 2026-01-19. Review status: criteria provided, single submitter. Criteria: Invitae Variant Classification Sherloc (09022015). Collection method: clinical testing. Allele origin: germline.

Ambry Genetics
Classification: Likely benign for Inborn genetic diseases. Last evaluated: 2025-01-21. Review status: criteria provided, single submitter. Criteria: Ambry Variant Classification Scheme 2023. Collection method: clinical testing. Allele origin: germline.

All of Us Research Program, National Institutes of Health
Classification: Likely benign for Wilson disease. Last evaluated: 2024-05-14. Review status: criteria provided, single submitter. Criteria: ACMG Guidelines, 2015. Collection method: clinical testing. Allele origin: germline. Inheritance: Autosomal recessive inheritance. Observed: 4 variant alleles, 4 heterozygotes.
Comment: This study involves interpretation of variants in research participants for the purpose of population health screening. Participant phenotype was not available at the time of variant classification. Additional details can be found in publication PMID: 35346344, PMCID: PMC8962531

Genome-Nilou Lab
Classification: Likely benign for Wilson disease. Last evaluated: 2021-08-10. Review status: criteria provided, single submitter. Criteria: ACMG Guidelines, 2015. Collection method: clinical testing. Allele origin: germline. Affected: no.

Illumina Laboratory Services, Illumina
Classification: Uncertain significance for Wilson disease. Last evaluated: 2018-01-13. Review status: criteria provided, single submitter. Criteria: ICSL Variant Classification Criteria 13 December 2019. Collection method: clinical testing. Allele origin: germline.